The following is an entry in ClinVar:

NM_170784.3(MKKS):c.1474G>T (p.Asp492Tyr)

Gene: MKKS (MKKS centrosomal shuttling protein; minus strand). Cytogenetic location: 20p12.2.
Variant type: single nucleotide variant.
Coding change: c.1474G>T on transcript NM_170784.3 (MANE Select); coding-DNA position 1474, G replaced by T.
Protein change: p.Asp492Tyr; replaces aspartic acid 492 with tyrosine.
Molecular consequence: missense variant. On other transcripts: non-coding transcript variant (1).
Genome position (GRCh38, 1-based): chr20:10,405,486, C>A on the plus strand (G>T on the coding strand, the complement: MKKS is on the minus strand). VCF-style: chr20-10405486-C-A. GRCh37 (hg19) VCF-style: chr20-10386134-C-A.
Other names: c.1474G>T, p.Asp492Tyr (NM_018848.3); short protein forms D492Y.
Identifiers: ClinVar variation 4995357 (VCV004995357.1).

ClinVar aggregate classification (germline): Uncertain significance (1 of 4 stars; one submission).

Conditions:
MKKS-related disorder. Also called: MKKS-related condition; MKKS-related disorders.

gnomAD v4.1: 5 of 1,614,214 alleles (0.00031%); highest among the groups gnomAD compares: Non-Finnish European, 0.00042%; no homozygotes.

Submission:

PreventionGenetics, part of Exact Sciences
Classification: Uncertain significance for MKKS-related condition. Last evaluated: 2026-09-02. Review status: criteria provided, single submitter. Criteria: ACMG Guidelines, 2015. Collection method: clinical testing. Allele origin: germline.
Comment: The MKKS c.1474G>T variant is predicted to result in the amino acid substitution p.Asp492Tyr. To our knowledge, this variant has not been reported in the literature. This variant is reported in 0.0018% of alleles in individuals of European (Non-Finnish) descent in gnomAD. At this time, the clinical significance of this variant is uncertain due to the absence of conclusive functional and genetic evidence.